The following is an entry in ClinVar:

NM_001979.6(EPHX2):c.909C>T (p.Pro303=)

Gene: EPHX2 (epoxide hydrolase 2; plus strand). Cytogenetic location: 8p21.1.
Variant type: single nucleotide variant.
Coding change: c.909C>T on transcript NM_001979.6 (MANE Select); coding-DNA position 909, C replaced by T.
Protein change: p.Pro303=; no amino-acid change (proline 303 retained).
Molecular consequence: synonymous variant. On other transcripts: non-coding transcript variant (3).
Genome position (GRCh38, 1-based): chr8:27,516,397, C>T. VCF-style: chr8-27516397-C-T. GRCh37 (hg19) VCF-style: chr8-27373914-C-T.
Other names: c.750C>T, p.Pro250= (NM_001256482.2, NM_001256484.2); c.711C>T, p.Pro237= (NM_001256483.2); c.909C>T, p.Pro303= (NM_001414016.1, NM_001414017.1, NM_001414018.1 and 1 more transcripts); c.813C>T, p.Pro271= (NM_001414019.1); c.786C>T, p.Pro262= (NM_001414020.1).
Identifiers: ClinVar variation 3045333 (VCV003045333.2), dbSNP rs757054443, ClinGen allele CA4690188.

ClinVar aggregate classification (germline): Likely benign (0 of 4 stars; one submission).

Conditions:
EPHX2-related disorder. Also called: EPHX2-related condition.

Allele frequency attached by ClinVar (database versions not stated): ExAC 0.00002; gnomAD 0.00003; gnomAD exomes 0.00003; TOPMed 0.00003.
gnomAD v4.1: 51 of 1,613,838 alleles (0.0032%); highest among the groups gnomAD compares: Admixed American, 0.013%; no homozygotes.

Submission:

PreventionGenetics, part of Exact Sciences
Classification: Likely benign for EPHX2-related condition. Last evaluated: 2019-10-28. Review status: no assertion criteria provided. Collection method: clinical testing. Allele origin: germline.
Comment: This variant is classified as likely benign based on ACMG/AMP sequence variant interpretation guidelines (Richards et al. 2015 PMID: 25741868, with internal and published modifications).